The following is an entry in ClinVar:

ClinVar aggregate classification (germline): Conflicting classifications of pathogenicity. Review status: criteria provided, conflicting classifications (1 of 4 stars). 2 submissions from 2 submitters: Uncertain significance (1); Benign (1). Last evaluated 2025-04-01.

gnomAD v4.1: 1 of 1,160,626 alleles (0.000086%); highest among the groups gnomAD compares: Non-Finnish European, 0.00011%; no homozygotes.

Submissions (2):

CeGaT Center for Human Genetics Tuebingen
Classification: Uncertain significance. Last evaluated: 2025-04-01. Review status: criteria provided, single submitter. Criteria: CeGaT Center For Human Genetics Tuebingen Variant Classification Criteria Version 2. Collection method: clinical testing. Allele origin: germline. Affected: yes. Observed: 1 variant allele.
Comment: PACS2: PM2

Labcorp Genetics (formerly Invitae), Labcorp
Classification: Benign. Last evaluated: 2025-03-07. Review status: criteria provided, single submitter. Criteria: Invitae Variant Classification Sherloc (09022015). Collection method: clinical testing. Allele origin: germline.

NM_001100913.3(PACS2):c.25C>T (p.Leu9Phe)

Genes: BRF1 (BRF1 general transcription factor IIIB subunit; minus strand), PACS2 (phosphofurin acidic cluster sorting protein 2; plus strand). Cytogenetic location: 14q32.33.
Variant type: single nucleotide variant.
Coding change: c.25C>T on transcript NM_001100913.3 (MANE Select); coding-DNA position 25, C replaced by T.
Protein change: p.Leu9Phe; replaces leucine 9 with phenylalanine.
Molecular consequence: missense variant. On other transcripts: intron variant (4).
Genome position (GRCh38, 1-based): chr14:105,314,943, C>T. VCF-style: chr14-105314943-C-T. GRCh37 (hg19) VCF-style: chr14-105781280-C-T.
Other names: c.25C>T, p.Leu9Phe (NM_015197.4); c.-162+379G>A (NM_001440451.1, NM_001242787.2, NM_001242786.2); c.-83+13964C>T (NM_001243127.3); short protein forms L9F.
Identifiers: ClinVar variation 1373831 (VCV001373831.15), dbSNP rs1393599725, ClinGen allele CA391191430.